The following continues an entry in ClinVar:

NM_000257.4(MYH7):c.4145G>A (p.Arg1382Gln)

Gene: MYH7. ClinVar aggregate classification (germline): Conflicting classifications of pathogenicity. Pathogenic (1); Likely pathogenic (15); Uncertain significance (3).

Submissions 8 to 19 of 19:

Color Diagnostics, LLC DBA Color Health
Classification: Likely pathogenic for Cardiomyopathy. Last evaluated: 2025-06-04. Review status: criteria provided, single submitter. Criteria: ACMG Guidelines, 2015. Collection method: clinical testing. Allele origin: germline.
Comment: This missense variant replaces arginine with glutamine at codon 1382 in the LMM domain of the MYH7 protein. Computational prediction suggests that this variant may have a deleterious impact on protein structure and function. To our knowledge, functional studies have not been reported for this variant. This variant has been reported in over 20 individuals affected with hypertrophic cardiomyopathy (PMID: 23283745, 27532257, 28687478, 30972196, 31941943, 33495597, 33673806, Kassem 2017, Luo et al., 2019communication with an external laboratoryClinVar Variation ID: 177788). This variant has been identified in 1/251460 chromosomes in the general population by the Genome Aggregation Database (gnomAD). Based on the available evidence, this variant is classified as Likely Pathogenic.

Blueprint Genetics
Classification: Likely pathogenic for MYH7-related disorders. Last evaluated: 2024-10-02. Review status: criteria provided, single submitter. Criteria: ACMG Guidelines, 2015. Collection method: clinical testing. Allele origin: germline. Affected: yes. Observed: 5 variant alleles.

All of Us Research Program, National Institutes of Health
Classification: Likely pathogenic for Hypertrophic cardiomyopathy. Last evaluated: 2024-09-27. Review status: criteria provided, single submitter. Criteria: ACMG Guidelines, 2015. Collection method: clinical testing. Allele origin: germline. Inheritance: Autosomal dominant inheritance. Observed: 8 variant alleles, 7 heterozygotes, 1 homozygote.
Comment: The c.4145G>A (p.Arg1382Gln) variant in the MYH7 gene has been identified in numerous (>15) affected individuals with Hypertrophic Cardiomyopathy (PMID: 23283745, 23782526, 25132132, 31513939, 33673806, 31941943, 30972196, 28687478, 27532257, 33495597, 30847666, 25611685). In-silico computational prediction tools suggest that this variant may have deleterious effect on the protein function (REVEL score: 0.793). This variant is found to be rare (0.00000397; MAF<0.004%) in the general population database (gnomAD) and interpreted as likely pathogenic by several submitters in the ClinVar database (ClinVar ID: 177788). Another amino acid substitution at the same position, c.4144C>T (p.Arg1382Trp), has been reported in multiple individuals with hypertrophic cardiomyopathy (PMID: 12707239, 24047955, 23283745, 28138913, 27532257). Therefore, the c.4145G>A (p.Arg1382Gln) variant in the MYH7 gene is classified as likely pathogenic.

This study involves interpretation of variants in research participants for the purpose of population health screening. Participant phenotype was not available at the time of variant classification. Additional details can be found in publication PMID: 35346344, PMCID: PMC8962531

New York Genome Center
Classification: Likely pathogenic for Dilated cardiomyopathy 1S; Hypertrophic cardiomyopathy 1. Last evaluated: 2024-02-23. Review status: criteria provided, single submitter. Criteria: NYGC Assertion Criteria 2020. Collection method: clinical testing. Allele origin: inherited. Observed: 1 variant allele, 1 heterozygote.
Comment: The inherited heterozygous c.4145G>A p.(Arg1382Gln) variant in MYH7 has previously been reported in more than 15 individuals with cardiomyopathies [PMIDs: 23283745, 27532257, 30972196, 33673806, 37652022, 25611685, 28687478, 30847666, others] and has been deposited in ClinVar with conflicting interpretations of pathogenicity, including eight Likely Pathogenic and three Variant of Uncertain Significance entries [Variation ID: 177788]. The c.4145G>A is observed in 23 out of 2,104,170 alleles (0.00001 minor allele frequency with 1 homozygote) in population databases (gnomAD v4.0.0 and AllofUs), suggesting it is not a common benign variant in the populations represented in those databases, which might include individuals with non-syndromic late onset cardiac diseases. The c.4145G>A is located in exon 30 of this 40-exon gene and is predicted to replace an evolutionary conserved arginine amino acid with glutamine at position 1382 (p.(Arg1382Gln)) of the encoded protein. In silico predictions are moderately in favor of damaging effect for the p.(Arg1382Gln) variant [REVEL score = 0.793]; however, there are no functional studies to support or refute these predictions. Based on available evidence this inherited heterozygous c.4145G>A p.(Arg1382Gln) variant identified in MYH7 is classified as Likely Pathogenic.

CHEO Genetics Diagnostic Laboratory, Children's Hospital of Eastern Ontario
Classification: Likely pathogenic for Cardiomyopathy. Last evaluated: 2023-04-05. Review status: criteria provided, single submitter. Criteria: ACMG Guidelines, 2015. Collection method: clinical testing. Allele origin: germline.

Institute for Medical Genetics and Human Genetics, Charité - Universitätsmedizin Berlin
Classification: Likely pathogenic. Last evaluated: 2022-09-27. Review status: criteria provided, single submitter. Criteria: ACMG Guidelines, 2015. Collection method: clinical testing. Allele origin: germline. Inheritance: Autosomal dominant inheritance. Affected: yes. Observed: 1 heterozygote.

Revvity Omics, Revvity
Classification: Uncertain significance. Last evaluated: 2021-01-21. Review status: criteria provided, single submitter. Criteria: ACMG Guidelines, 2015. Collection method: clinical testing. Allele origin: germline.

Mayo Clinic Laboratories, Mayo Clinic
Classification: Uncertain significance. Last evaluated: 2019-08-03. Review status: criteria provided, single submitter. Criteria: ACMG Guidelines, 2015. Collection method: clinical testing. Allele origin: germline. Observed: 1 variant allele.

Center for Human Genetics, University of Leuven
Classification: Uncertain significance for Hypertrophic cardiomyopathy. Last evaluated: 2018-10-31. Review status: criteria provided, single submitter. Criteria: ACMG Guidelines, 2015. Collection method: clinical testing. Allele origin: germline. Affected: yes.

Laboratory for Molecular Medicine, Mass General Brigham Personalized Medicine
Classification: Likely pathogenic for Hypertrophic cardiomyopathy. Last evaluated: 2018-09-12. Review status: criteria provided, single submitter. Criteria: LMM Criteria. Collection method: clinical testing. Allele origin: germline. Inheritance: Autosomal dominant inheritance. Observed: 3 variant alleles.
Comment: The p.Arg1382Gln variant in MYH7 has been identified in at least 15 individuals with HCM (Nunez 2013, Zou 2013, Walsh 2017, Kassem 2017, Ambry pers. comm., Invi tae pers. comm., GeneDx pers. comm., LMM data). It has also been reported by oth er clinical laboratories in ClinVar (Variation ID 177788) and has been identifie d in 1/15304 of African chromosomes by the Genome Aggregation Database (gnomAD). Computational prediction tools and conservati on analysis do not provide strong support for or against an impact to the protei n. In summary, although additional studies are required to fully establish its c linical significance, the p.Arg1382Gln variant is likely pathogenic. ACMG/AMP Cr iteria applied: PS4, PM2.

Clinical Genetics Service, Universitary Hospital 12 de Octubre
Classification: Pathogenic for Hypertrophic cardiomyopathy 1. Review status: criteria provided, single submitter. Criteria: ACMG Guidelines, 2015. Collection method: clinical testing. Allele origin: germline. Affected: yes.

Juno Genomics, Hangzhou Juno Genomics, Inc
Classification: Likely pathogenic for Dilated cardiomyopathy 1S; Hypertrophic cardiomyopathy 1. Review status: criteria provided, single submitter. Criteria: ACMG Guidelines, 2015. Collection method: clinical testing. Allele origin: germline.
Comment: Absent from controls (or at extremely low frequency if recessive) in Genome Aggregation Database.;The prevalence of the variant in affected individuals is significantly increased compared to the prevalence in controls.;Multiple lines of computational evidence support a deleterious effect on the gene or gene product.

Literature cited by the submitters: PubMed 23283745 (cited by 9 submitters); PubMed 22958901 (cited by Women's Health and Genetics/Laboratory Corporation of America, LabCorp); PubMed 23782526 (cited by 6 submitters); PubMed 25649125 (cited by Women's Health and Genetics/Laboratory Corporation of America, LabCorp); PubMed 33673806 (cited by 7 submitters); PubMed 25132132 (cited by 3 submitters); PubMed 27532257 (cited by 7 submitters); PubMed 30972196 (cited by 6 submitters); PubMed 31513939 (cited by 3 submitters); PubMed 31941943 (cited by 4 submitters); PubMed 12707239 (cited by 3billion and All of Us Research Program, National Institutes of Health); PubMed 31447099 (cited by Variantyx, Inc. and Ambry Genetics); PubMed 28138913 (cited by Variantyx, Inc. and All of Us Research Program, National Institutes of Health); PubMed 28687478 (cited by 4 submitters); PubMed 33495597 (cited by 3 submitters); PubMed 7532257 (cited by Ambry Genetics); PubMed 24047955 (cited by All of Us Research Program, National Institutes of Health); PubMed 25611685 (cited by All of Us Research Program, National Institutes of Health and New York Genome Center); PubMed 30847666 (cited by All of Us Research Program, National Institutes of Health and New York Genome Center); PubMed 37652022 (cited by New York Genome Center).